The following is an entry in ClinVar:

NM_006030.4(CACNA2D2):c.3194A>T (p.Gln1065Leu)

Genes: CACNA2D2 (calcium voltage-gated channel auxiliary subunit alpha2delta 2; minus strand), LOC127898564 (CYB561D2-LOC101928965; plus strand). Cytogenetic location: 3p21.31.
Variant type: single nucleotide variant.
Coding change: c.3194A>T on transcript NM_006030.4 (MANE Select); coding-DNA position 3194, A replaced by T.
Protein change: p.Gln1065Leu; replaces glutamine 1065 with leucine.
Molecular consequence: missense variant.
Genome position (GRCh38, 1-based): chr3:50,365,089, T>A on the plus strand (A>T on the coding strand, the complement: CACNA2D2 is on the minus strand). VCF-style: chr3-50365089-T-A. GRCh37 (hg19) VCF-style: chr3-50402520-T-A.
Other names: c.3194A>T, p.Gln1065Leu (NM_001005505.3); c.3215A>T, p.Gln1072Leu (NM_001174051.3); c.2987A>T, p.Gln996Leu (NM_001291101.1); short protein forms Q1072L, Q1065L, Q996L.
Identifiers: ClinVar variation 962664 (VCV000962664.7), dbSNP rs587691864, ClinGen allele CA2418189.

ClinVar aggregate classification (germline): Uncertain significance (1 of 4 stars; one submission).

Conditions:
Early-infantile DEE. Also called: Ohtahara syndrome; Early infantile epileptic encephalopathy with suppression bursts; Early infantile epileptic encephalopathy. Identifiers: Orphanet 1934, MedGen C0393706, MONDO:0800491.

Allele frequency attached by ClinVar (database versions not stated): gnomAD exomes 0.00001 and 0.00003; ExAC 0.00004; TOPMed 0.00004; gnomAD 0.00005 and 0.00007; 1000 Genomes Project 30x 0.00047; 1000 Genomes Project 0.00060.

Submission:

Labcorp Genetics (formerly Invitae), Labcorp
Classification: Uncertain significance for Early-infantile DEE. Last evaluated: 2024-12-02. Review status: criteria provided, single submitter. Criteria: Invitae Variant Classification Sherloc (09022015). Collection method: clinical testing. Allele origin: germline.
Comment: This sequence change replaces glutamine, which is neutral and polar, with leucine, which is neutral and non-polar, at codon 1065 of the CACNA2D2 protein (p.Gln1065Leu). This variant is present in population databases (rs587691864, gnomAD 0.05%). This variant has not been reported in the literature in individuals affected with CACNA2D2-related conditions. ClinVar contains an entry for this variant (Variation ID: 962664). An algorithm developed to predict the effect of missense changes on protein structure and function (PolyPhen-2) suggests that this variant is likely to be tolerated. In summary, the available evidence is currently insufficient to determine the role of this variant in disease. Therefore, it has been classified as a Variant of Uncertain Significance.